The following is an entry in ClinVar:

ClinVar aggregate classification (germline): Pathogenic. Review status: criteria provided, multiple submitters, no conflicts (2 of 4 stars). 3 submissions from 3 submitters: Pathogenic (3). Last evaluated 2024-03-05.

Conditions:
Hereditary cancer-predisposing syndrome. Also called: Tumor predisposition; Hereditary Cancer Syndrome; Hereditary neoplastic syndrome; Neoplastic Syndromes, Hereditary. Identifiers: Orphanet 140162, MedGen C0027672, MeSH D009386, MONDO:0015356.
Familial adenomatous polyposis 1 (FAP1). Also called: FAMILIAL ADENOMATOUS POLYPOSIS 1, ATTENUATED; POLYPOSIS, ADENOMATOUS INTESTINAL. Identifiers: MedGen C2713442, MONDO:0021056, OMIM 175100. Disease mechanism: loss of function.

Submissions (3):

Ambry Genetics
Classification: Pathogenic for Hereditary cancer-predisposing syndrome. Last evaluated: 2024-03-05. Review status: criteria provided, single submitter. Criteria: Ambry Variant Classification Scheme 2023. Collection method: clinical testing. Allele origin: germline.
Comment: The c.1102_1103delGT pathogenic mutation, located in coding exon 9 of the APC gene, results from a deletion of two nucleotides at nucleotide positions 1102 to 1103, causing a translational frameshift with a predicted alternate stop codon (p.V368Ifs*9). This mutation has previously been reported in multiple individuals with attenuated familial adenomatous polyposis (AFAP) (Stekrova J et al. BMC Med Genet. 2007 8:16; Nielsen et al. Clin Genet. 2007 71:427&ndash;433). In addition to the data presented in the literature, this alteration is expected to result in loss of function by premature protein truncation or nonsense-mediated mRNA decay. As such, this alteration is interpreted as a disease-causing mutation.

Myriad Genetics, Inc.
Classification: Pathogenic for Familial adenomatous polyposis 1. Last evaluated: 2023-04-28. Review status: criteria provided, single submitter. Criteria: Myriad Autosomal Dominant, Autosomal Recessive and X-Linked Classification Criteria (2023). Collection method: clinical testing. Allele origin: unknown.
Comment: This variant is considered pathogenic. This variant creates a frameshift predicted to result in premature protein truncation.

Labcorp Genetics (formerly Invitae), Labcorp
Classification: Pathogenic for Familial adenomatous polyposis 1. Last evaluated: 2023-03-09. Review status: criteria provided, single submitter. Criteria: Invitae Variant Classification Sherloc (09022015). Collection method: clinical testing. Allele origin: germline.
Comment: This sequence change creates a premature translational stop signal (p.Val368Ilefs*9) in the APC gene. It is expected to result in an absent or disrupted protein product. Loss-of-function variants in APC are known to be pathogenic (PMID: 17963004, 20685668). This variant is not present in population databases (gnomAD no frequency). This premature translational stop signal has been observed in individual(s) with adenomatous polyposis and colorectal cancer (PMID: 17411426, 17489848). ClinVar contains an entry for this variant (Variation ID: 537469). For these reasons, this variant has been classified as Pathogenic.

Literature cited by the submitters: PubMed 17963004 (cited by Labcorp Genetics (formerly Invitae), Labcorp); PubMed 20685668 (cited by Labcorp Genetics (formerly Invitae), Labcorp); PubMed 17411426 (cited by Labcorp Genetics (formerly Invitae), Labcorp); PubMed 17489848 (cited by Labcorp Genetics (formerly Invitae), Labcorp).

NM_000038.6(APC):c.1102_1103del (p.Val368fs)

Gene: APC (APC regulator of Wnt signaling pathway; plus strand). Cytogenetic location: 5q22.2.
Variant type: Deletion.
Coding change: c.1102_1103del on transcript NM_000038.6 (MANE Select); coding-DNA positions 1102 to 1103, 2 bases deleted (GT; older notation c.1102_1103delGT).
Protein change: p.Val368fs; shifts the reading frame from valine 368.
Molecular consequence: frameshift variant. On other transcripts: intron variant (4).
Genome position (GRCh38, 1-based): chr5:112,819,134-112,819,135, GT deleted; deleting any 2 consecutive bases within chr5:112,819,133-112,819,135 gives the same sequence; the c. name uses the placement nearest the transcript's 3' end. VCF-style (leftmost placement, unchanged base first): chr5-112819132-CTG-C. GRCh37 (hg19) VCF-style: chr5-112154829-CTG-C.
Other names: c.1102_1103del, p.Val368fs (NM_001127510.3, NM_001354895.2, NM_001354896.2); c.1048_1049del, p.Val350fs (NM_001127511.3); c.1132_1133del, p.Val378fs (NM_001354897.2); c.1027_1028del, p.Val343fs (NM_001354898.2); c.1018_1019del, p.Val340fs (NM_001354899.2); c.925_926del, p.Val309fs (NM_001354900.2, NM_001354901.2); c.253_254del, p.Val85fs (NM_001354906.2); c.964-135_964-134del (NM_001354902.2); and 3 more; short protein forms V350fs, V340fs, V378fs, V343fs, V309fs, V368fs, V85fs.
Identifiers: ClinVar variation 537469 (VCV000537469.15), dbSNP rs1554080016, ClinGen allele CA658760520.